The following is an entry in ClinVar:

ClinVar aggregate classification (germline): Likely benign. Review status: criteria provided, multiple submitters, no conflicts (2 of 4 stars). 2 submissions from 2 submitters: Likely benign (2). Last evaluated 2026-06-22.

Conditions:
Retinoblastoma (RB1). Also called: RETINOBLASTOMA, SOMATIC. Identifiers: Orphanet 790, MedGen C0035335, MeSH D012175, MONDO:0008380, OMIM 180200, HP:0009919. Disease mechanism: loss of function. Inheritance: Both sporadic and heritable forms are tested..

Allele frequency attached by ClinVar (database versions not stated): TOPMed below 0.00001; ExAC 0.00001; gnomAD exomes 0.00001.
gnomAD v4.1: 4 of 1,608,390 alleles (0.00025%); highest among the groups gnomAD compares: Admixed American, 0.0067%; no homozygotes.

Submissions (2):

Myriad Genetics, Inc.
Classification: Likely benign for Retinoblastoma. Last evaluated: 2026-06-22. Review status: criteria provided, single submitter. Criteria: Myriad Autosomal Dominant, Autosomal Recessive and X-Linked Classification Criteria (2023). Collection method: clinical testing. Allele origin: unknown.
Comment: This variant is considered likely benign. This variant is intronic and is not expected to impact mRNA splicing.

Labcorp Genetics (formerly Invitae), Labcorp
Classification: Likely benign for Retinoblastoma. Last evaluated: 2025-10-27. Review status: criteria provided, single submitter. Criteria: Invitae Variant Classification Sherloc (09022015). Collection method: clinical testing. Allele origin: germline.

NM_000321.3(RB1):c.2521-18G>T

Gene: RB1 (RB transcriptional corepressor 1; plus strand). Cytogenetic location: 13q14.2.
Variant type: single nucleotide variant.
Coding change: c.2521-18G>T on transcript NM_000321.3 (MANE Select); 18 bases into the intron before coding-DNA position 2521, G replaced by T.
Molecular consequence: intron variant.
Genome position (GRCh38, 1-based): chr13:48,476,683, G>T. VCF-style: chr13-48476683-G-T. GRCh37 (hg19) VCF-style: chr13-49050819-G-T.
Identifiers: ClinVar variation 1587405 (VCV001587405.9), dbSNP rs748294918, ClinGen allele CA036081.